The following is an entry in ClinVar:

ClinVar aggregate classification (germline): Uncertain significance. Review status: criteria provided, multiple submitters, no conflicts (2 of 4 stars). 2 submissions from 2 submitters: Uncertain significance (2). Last evaluated 2025-01-21.

Conditions:
Hereditary cancer-predisposing syndrome. Also called: Tumor predisposition; Hereditary Cancer Syndrome; Neoplastic Syndromes, Hereditary; Hereditary neoplastic syndrome. Identifiers: Orphanet 140162, MedGen C0027672, MeSH D009386, MONDO:0015356.
Familial cancer of breast. Also called: Hereditary breast cancer; BREAST CANCER, FAMILIAL; hereditary breast carcinoma. Identifiers: Orphanet 227535, MedGen C0346153, MONDO:0016419, OMIM 114480. Disease mechanism: loss of function.

Allele frequency attached by ClinVar (database versions not stated): TOPMed below 0.00001.
gnomAD v4.1: 4 of 1,613,728 alleles (0.00025%); highest among the groups gnomAD compares: Non-Finnish European, 0.00025%; no homozygotes.

Submissions (2):

Labcorp Genetics (formerly Invitae), Labcorp
Classification: Uncertain significance for Familial cancer of breast. Last evaluated: 2025-01-21. Review status: criteria provided, single submitter. Criteria: Invitae Variant Classification Sherloc (09022015). Collection method: clinical testing. Allele origin: germline.
Comment: This sequence change replaces lysine, which is basic and polar, with asparagine, which is neutral and polar, at codon 95 of the PALB2 protein (p.Lys95Asn). This variant is present in population databases (no rsID available, gnomAD 0.0009%). This variant has not been reported in the literature in individuals affected with PALB2-related conditions. ClinVar contains an entry for this variant (Variation ID: 1796941). An algorithm developed to predict the effect of missense changes on protein structure and function outputs the following: PolyPhen-2: "Benign". The asparagine amino acid residue is found in multiple mammalian species, which suggests that this missense change does not adversely affect protein function. In summary, the available evidence is currently insufficient to determine the role of this variant in disease. Therefore, it has been classified as a Variant of Uncertain Significance.

Ambry Genetics
Classification: Uncertain significance for Hereditary cancer-predisposing syndrome. Last evaluated: 2022-10-24. Review status: criteria provided, single submitter. Criteria: Ambry Variant Classification Scheme 2023. Collection method: clinical testing. Allele origin: germline.
Comment: The p.K95N variant (also known as c.285G>C), located in coding exon 4 of the PALB2 gene, results from a G to C substitution at nucleotide position 285. The lysine at codon 95 is replaced by asparagine, an amino acid with similar properties. This amino acid position is conserved. In addition, this alteration is predicted to be tolerated by in silico analysis. Since supporting evidence is limited at this time, the clinical significance of this alteration remains unclear.

NM_024675.4(PALB2):c.285G>C (p.Lys95Asn)

Gene: PALB2 (partner and localizer of BRCA2; minus strand). Cytogenetic location: 16p12.2.
Variant type: single nucleotide variant.
Coding change: c.285G>C on transcript NM_024675.4 (MANE Select); coding-DNA position 285, G replaced by C.
Protein change: p.Lys95Asn; replaces lysine 95 with asparagine.
Molecular consequence: missense variant.
Genome position (GRCh38, 1-based): chr16:23,636,261, C>G on the plus strand (G>C on the coding strand, the complement: PALB2 is on the minus strand). VCF-style: chr16-23636261-C-G. GRCh37 (hg19) VCF-style: chr16-23647582-C-G.
Other names: c.225G>C, p.Lys75Asn (NM_001407296.1); c.285G>C, p.Lys95Asn (NM_001407297.1, NM_001407298.1, NM_001407299.1 and 3 more transcripts); c.-601G>C (NM_001407304.1, NM_001407305.1, NM_001407306.1 and 5 more transcripts); short protein forms K75N, K95N.
Identifiers: ClinVar variation 1796941 (VCV001796941.4), dbSNP rs1043578258, ClinGen allele CA279500275.
Genomic context (GRCh38, chr16:23,636,261, plus strand): 5'-TCCTCCTGGGCCATCTCCAGGGTTAAAGGACTCAGGCCCAACATCAAGTGTGATAGATGT[C>G]TTTTCTCCAGTTTCTTCATCAAGATGGGTTTTGATGTGTAACTTGTCATAAACACATATT-3'
Protein context (NP_078951.2, residues 85-105): KTHLDEETGE[Lys95Asn]TSITLDVGPE